The following is an entry in ClinVar:

NM_001256545.2(MEGF10):c.530G>A (p.Arg177His)

Gene: MEGF10 (multiple EGF like domains 10; plus strand). Cytogenetic location: 5q23.2.
Variant type: single nucleotide variant.
Coding change: c.530G>A on transcript NM_001256545.2 (MANE Select); coding-DNA position 530, G replaced by A.
Protein change: p.Arg177His; replaces arginine 177 with histidine.
Molecular consequence: missense variant.
Genome position (GRCh38, 1-based): chr5:127,396,649, G>A. VCF-style: chr5-127396649-G-A. GRCh37 (hg19) VCF-style: chr5-126732341-G-A.
Other names: c.530G>A, p.Arg177His (NM_001308119.2, NM_001308121.2, NM_032446.3); short protein forms R177H.
Identifiers: ClinVar variation 661506 (VCV000661506.9), dbSNP rs373950666, ClinGen allele CA3391316.

ClinVar aggregate classification (germline): Uncertain significance. Review status: criteria provided, multiple submitters, no conflicts (2 of 4 stars). 2 submissions from 2 submitters: Uncertain significance (2). Last evaluated 2025-08-12.

Conditions:
MEGF10-related myopathy (CMYO10A). Also called: Congenital myopathy 10A, severe variant. Identifiers: Orphanet 439212, MedGen C3280679, MONDO:0013731, OMIM 614399.
Inborn genetic diseases. Identifiers: MedGen C0950123, MeSH D030342.

Allele frequency attached by ClinVar (database versions not stated): ExAC 0.00002; gnomAD exomes 0.00002; gnomAD 0.00004; TOPMed 0.00004; ESP Exome Variant Server 0.00008.
gnomAD v4.1: 36 of 1,613,932 alleles (0.0022%); highest among the groups gnomAD compares: African/African-American, 0.0067%; no homozygotes.

Submissions (2):

Labcorp Genetics (formerly Invitae), Labcorp
Classification: Uncertain significance for MEGF10-related myopathy. Last evaluated: 2025-08-12. Review status: criteria provided, single submitter. Criteria: Invitae Variant Classification Sherloc (09022015). Collection method: clinical testing. Allele origin: germline.
Comment: This sequence change replaces arginine, which is basic and polar, with histidine, which is basic and polar, at codon 177 of the MEGF10 protein (p.Arg177His). This variant is present in population databases (rs373950666, gnomAD 0.01%). This variant has not been reported in the literature in individuals affected with MEGF10-related conditions. ClinVar contains an entry for this variant (Variation ID: 661506). Invitae Evidence Modeling of protein sequence and biophysical properties (such as structural, functional, and spatial information, amino acid conservation, physicochemical variation, residue mobility, and thermodynamic stability) indicates that this missense variant is not expected to disrupt MEGF10 protein function with a negative predictive value of 80%. In summary, the available evidence is currently insufficient to determine the role of this variant in disease. Therefore, it has been classified as a Variant of Uncertain Significance.

Ambry Genetics
Classification: Uncertain significance for Inborn genetic diseases. Last evaluated: 2023-06-30. Review status: criteria provided, single submitter. Criteria: Ambry Variant Classification Scheme 2023. Collection method: clinical testing. Allele origin: germline.